The following is an entry in ClinVar:

ClinVar aggregate classification (germline): Conflicting classifications of pathogenicity. Review status: criteria provided, conflicting classifications (1 of 4 stars). 4 submissions from 4 submitters: Uncertain significance (1); Benign (1); Likely benign (2). Last evaluated 2025-08-04.

Conditions:
Inborn genetic diseases. Identifiers: MedGen C0950123, MeSH D030342.
KIAA1549-related disorder. Also called: KIAA1549-related condition.

Allele frequency attached by ClinVar (database versions not stated): gnomAD exomes 0.00022; ExAC 0.00025; ESP Exome Variant Server 0.00063; gnomAD 0.00072 and 0.00073; 1000 Genomes Project 30x 0.00094; TOPMed 0.00096; 1000 Genomes Project 0.00100.
gnomAD v4.1: 274 of 1,614,048 alleles (0.017%); highest among the groups gnomAD compares: African/African-American, 0.3%; 1 homozygote.

Submissions (4):

PreventionGenetics, part of Exact Sciences
Classification: Likely benign for KIAA1549-related condition. Last evaluated: 2025-08-04. Review status: criteria provided, single submitter. Criteria: ACMG Guidelines, 2015. Collection method: clinical testing. Allele origin: germline.
Comment: This variant is classified as likely benign based on ACMG/AMP sequence variant interpretation guidelines (Richards et al. 2015 PMID: 25741868, with internal and published modifications).

Labcorp Genetics (formerly Invitae), Labcorp
Classification: Likely benign. Last evaluated: 2025-04-17. Review status: criteria provided, single submitter. Criteria: Invitae Variant Classification Sherloc (09022015). Collection method: clinical testing. Allele origin: germline.

Blueprint Genetics
Classification: Benign. Last evaluated: 2024-11-14. Review status: criteria provided, single submitter. Criteria: ACMG Guidelines, 2015. Collection method: clinical testing. Allele origin: germline.

Ambry Genetics
Classification: Uncertain significance for Inborn genetic diseases. Last evaluated: 2021-07-20. Review status: criteria provided, single submitter. Criteria: Ambry Variant Classification Scheme 2023. Collection method: clinical testing. Allele origin: germline.

NM_001164665.2(KIAA1549):c.692C>T (p.Thr231Ile)

Gene: KIAA1549 (KIAA1549; minus strand). Cytogenetic location: 7q34.
Variant type: single nucleotide variant.
Coding change: c.692C>T on transcript NM_001164665.2 (MANE Select); coding-DNA position 692, C replaced by T.
Protein change: p.Thr231Ile; replaces threonine 231 with isoleucine.
Molecular consequence: missense variant.
Genome position (GRCh38, 1-based): chr7:138,918,934, G>A on the plus strand (C>T on the coding strand, the complement: KIAA1549 is on the minus strand). VCF-style: chr7-138918934-G-A. GRCh37 (hg19) VCF-style: chr7-138603680-G-A.
Other names: c.692C>T, p.Thr231Ile (NM_020910.3); short protein forms T231I.
Identifiers: ClinVar variation 711892 (VCV000711892.14), dbSNP rs140350435, ClinGen allele CA4506887.
Genomic context (GRCh38, chr7:138,918,934, plus strand): 5'-ACCAAATTCCTGCCAGGAGTTGGAACGATGCCCTCAGAGGTGCGAAAAGCTGACCGAAAG[G>A]TGTGGAAATGACTGGCGGACTCAGCATATGCCGCTGGTTGTCGCGTTGTGTTCTGCCAGC-3'
Protein context (NP_001158137.1, residues 221-241): AYAESASHFH[Thr231Ile]FRSAFRTSEG